The following is an entry in ClinVar:

NM_002018.4(FLII):c.1752C>T (p.Gly584=)

Gene: FLII (FLII actin remodeling protein; minus strand). Cytogenetic location: 17p11.2.
Variant type: single nucleotide variant.
Coding change: c.1752C>T on transcript NM_002018.4 (MANE Select); coding-DNA position 1752, C replaced by T.
Protein change: p.Gly584=; no amino-acid change (glycine 584 retained).
Molecular consequence: synonymous variant.
Genome position (GRCh38, 1-based): chr17:18,250,862, G>A on the plus strand (C>T on the coding strand, the complement: FLII is on the minus strand). VCF-style: chr17-18250862-G-A. GRCh37 (hg19) VCF-style: chr17-18154176-G-A.
Other names: NC_000017.10:g.18154176G>A; c.1719C>T, p.Gly573= (NM_001256264.2); c.1587C>T, p.Gly529= (NM_001256265.2).
Identifiers: ClinVar variation 775381 (VCV000775381.30), dbSNP rs144463561, ClinGen allele CA8428419.

ClinVar aggregate classification (germline): Benign/Likely benign. Review status: criteria provided, multiple submitters, no conflicts (2 of 4 stars). 3 submissions from 3 submitters: Benign (2); Likely benign (1). Last evaluated 2026-05-01.

Allele frequency attached by ClinVar (database versions not stated): gnomAD exomes 0.00076 and 0.00127; ExAC 0.00131; 1000 Genomes Project 0.00160; gnomAD 0.00179 and 0.00186; ESP Exome Variant Server 0.00192; TOPMed 0.00240; 1000 Genomes Project 30x 0.00281.
gnomAD v4.1: 1,455 of 1,613,366 alleles (0.09%); highest among the groups gnomAD compares: Middle Eastern, 0.89%; 3 homozygotes.

Submissions (14):

CeGaT Center for Human Genetics Tuebingen
Classification: Likely benign. Last evaluated: 2026-05-01. Review status: criteria provided, single submitter. Criteria: CeGaT Center For Human Genetics Tuebingen Variant Classification Criteria Version 2. Collection method: clinical testing. Allele origin: germline. Affected: yes. Observed: 2 variant alleles.
Comment: FLII: BP4, BP7

Labcorp Genetics (formerly Invitae), Labcorp
Classification: Benign. Last evaluated: 2019-12-31. Review status: criteria provided, single submitter. Criteria: Invitae Variant Classification Sherloc (09022015). Collection method: clinical testing. Allele origin: germline.

Breakthrough Genomics
Classification: Benign. Review status: criteria provided, single submitter. Criteria: ACMG Guidelines, 2015. Collection method: not provided. Allele origin: germline. Inheritance: Unknown mechanism. Affected: yes.

Dr. Peter K. Rogan Lab, Western University
No classification provided (evidence only). Condition: Clear cell carcinoma of kidney. Review status: no classification provided. Collection method: in vitro. Allele origin: not applicable. Functional consequence: retained intron. Not counted in ClinVar's aggregate classification.

Dr. Peter K. Rogan Lab, Western University
No classification provided (evidence only). Condition: Melanoma. Review status: no classification provided. Collection method: in vitro. Allele origin: not applicable. Functional consequence: skipped exon. Not counted in ClinVar's aggregate classification.

Dr. Peter K. Rogan Lab, Western University
No classification provided (evidence only). Condition: Familial cancer of breast. Review status: no classification provided. Collection method: in vitro. Allele origin: not applicable. Functional consequence: retained intron. Not counted in ClinVar's aggregate classification.

Dr. Peter K. Rogan Lab, Western University
No classification provided (evidence only). Condition: Familial cancer of breast. Review status: no classification provided. Collection method: in vitro. Allele origin: not applicable. Functional consequence: skipped exon, retained intron. Not counted in ClinVar's aggregate classification.

Dr. Peter K. Rogan Lab, Western University
No classification provided (evidence only). Condition: Familial cancer of breast. Review status: no classification provided. Collection method: in vitro. Allele origin: not applicable. Functional consequence: retained intron. Not counted in ClinVar's aggregate classification.

Dr. Peter K. Rogan Lab, Western University
No classification provided (evidence only). Condition: Colorectal cancer. Review status: no classification provided. Collection method: in vitro. Allele origin: not applicable. Functional consequence: skipped exon, retained intron. Not counted in ClinVar's aggregate classification.

Dr. Peter K. Rogan Lab, Western University
No classification provided (evidence only). Condition: Thyroid cancer, nonmedullary, 1. Review status: no classification provided. Collection method: in vitro. Allele origin: not applicable. Functional consequence: skipped exon, retained intron. Not counted in ClinVar's aggregate classification.

Dr. Peter K. Rogan Lab, Western University
No classification provided (evidence only). Condition: Cervical cancer. Review status: no classification provided. Collection method: in vitro. Allele origin: not applicable. Functional consequence: retained intron. Not counted in ClinVar's aggregate classification.

Dr. Peter K. Rogan Lab, Western University
No classification provided (evidence only). Condition: Sarcoma. Review status: no classification provided. Collection method: in vitro. Allele origin: not applicable. Functional consequence: skipped exon, retained intron. Not counted in ClinVar's aggregate classification.

Dr. Peter K. Rogan Lab, Western University
No classification provided (evidence only). Condition: Malignant lymphoma, large B-cell, diffuse. Review status: no classification provided. Collection method: in vitro. Allele origin: not applicable. Functional consequence: retained intron. Not counted in ClinVar's aggregate classification.

Dr. Peter K. Rogan Lab, Western University
No classification provided (evidence only). Condition: Uveal melanoma. Review status: no classification provided. Collection method: in vitro. Allele origin: not applicable. Functional consequence: retained intron. Not counted in ClinVar's aggregate classification.